The following is an entry in ClinVar:

ClinVar aggregate classification (germline): Uncertain significance. Review status: criteria provided, multiple submitters, no conflicts (2 of 4 stars). 2 submissions from 2 submitters: Uncertain significance (2). Last evaluated 2025-08-06.

Conditions:
Developmental and epileptic encephalopathy, 1 (DEE1). Also called: X-linked infantile spasms; West's syndrome; Tonic spasms with clustering, arrest of psychomotor development and hypsarrhythmia on EEG; X-Linked Infantile Spasm Syndrome; OHTAHARA SYNDROME, X-LINKED; Epileptic encephalopathy, early infantile, 1. Identifiers: MedGen C3463992, MONDO:0010632, OMIM 308350. Disease mechanism: loss of function.
Autosomal dominant nonsyndromic hearing loss 65. Also called: Deafness, autosomal dominant 65; TBC1D24-Related Autosomal Dominant Nonsyndromic Hearing Loss (DFNA). Identifiers: Orphanet 90635, MedGen C3892048, MONDO:0014470, OMIM 616044.

gnomAD v4.1: 5 of 1,613,992 alleles (0.00031%); highest among the groups gnomAD compares: Admixed American, 0.0083%; no homozygotes.

Submissions (2):

Labcorp Genetics (formerly Invitae), Labcorp
Classification: Uncertain significance for Developmental and epileptic encephalopathy, 1; Autosomal dominant nonsyndromic hearing loss 65. Last evaluated: 2025-08-06. Review status: criteria provided, single submitter. Criteria: Invitae Variant Classification Sherloc (09022015). Collection method: clinical testing. Allele origin: germline.
Comment: This sequence change replaces alanine, which is neutral and non-polar, with serine, which is neutral and polar, at codon 277 of the TBC1D24 protein (p.Ala277Ser). This variant is present in population databases (no rsID available, gnomAD 0.01%). This variant has not been reported in the literature in individuals affected with TBC1D24-related conditions. ClinVar contains an entry for this variant (Variation ID: 423702). Invitae Evidence Modeling of protein sequence and biophysical properties (such as structural, functional, and spatial information, amino acid conservation, physicochemical variation, residue mobility, and thermodynamic stability) indicates that this missense variant is not expected to disrupt TBC1D24 protein function with a negative predictive value of 95%. In summary, the available evidence is currently insufficient to determine the role of this variant in disease. Therefore, it has been classified as a Variant of Uncertain Significance.

GeneDx
Classification: Uncertain significance. Last evaluated: 2017-02-17. Review status: criteria provided, single submitter. Criteria: GeneDx Variant Classification (06012015). Collection method: clinical testing. Allele origin: germline. Affected: yes.
Comment: A variant of uncertain significance has been identified in the TBC1D24 gene. The A277S variant has not been published as a pathogenic variant, nor has it been reported as a benign variant to our knowledge. The A277S variant is not observed in large population cohorts (Lek et al., 2016; 1000 Genomes Consortium et al., 2015; Exome Variant Server). The A277S variant is a non-conservative amino acid substitution, which is likely to impact secondary protein structure as these residues differ in polarity, charge, size and/or other properties. However, this substitution occurs at a position that is not conserved. In silico analysis predicts this variant likely does not alter the protein structure/function. Therefore, based on the currently available information, it is unclear whether this variant is a pathogenic variant or a rare benign variant.

NM_001199107.2(TBC1D24):c.829G>T (p.Ala277Ser)

Gene: TBC1D24 (TBC1 domain family member 24; plus strand). Cytogenetic location: 16p13.3.
Variant type: single nucleotide variant.
Coding change: c.829G>T on transcript NM_001199107.2 (MANE Select); coding-DNA position 829, G replaced by T.
Protein change: p.Ala277Ser; replaces alanine 277 with serine.
Molecular consequence: missense variant.
Genome position (GRCh38, 1-based): chr16:2,496,977, G>T. VCF-style: chr16-2496977-G-T. GRCh37 (hg19) VCF-style: chr16-2546978-G-T.
Other names: c.829G>T, p.Ala277Ser (NM_020705.3); short protein forms A277S.
Identifiers: ClinVar variation 423702 (VCV000423702.9), dbSNP rs754019727, ClinGen allele CA16620169.